The following is an entry in ClinVar:

NM_198576.4(AGRN):c.1258A>G (p.Thr420Ala)

Gene: AGRN (agrin; plus strand). Cytogenetic location: 1p36.33.
Variant type: single nucleotide variant.
Coding change: c.1258A>G on transcript NM_198576.4 (MANE Select); coding-DNA position 1258, A replaced by G.
Protein change: p.Thr420Ala; replaces threonine 420 with alanine.
Molecular consequence: missense variant.
Genome position (GRCh38, 1-based): chr1:1,042,036, A>G. VCF-style: chr1-1042036-A-G. GRCh37 (hg19) VCF-style: chr1-977416-A-G.
Other names: c.1258A>G, p.Thr420Ala (NM_001305275.2); c.943A>G, p.Thr315Ala (NM_001364727.2); short protein forms T420A, T315A.
Identifiers: ClinVar variation 939315 (VCV000939315.7), dbSNP rs777791014, ClinGen allele CA508091.

ClinVar aggregate classification (germline): Uncertain significance (1 of 4 stars; one submission).

Conditions:
Congenital myasthenic syndrome 8. Also called: MYASTHENIC SYNDROME, CONGENITAL, DUE TO AGRIN DEFICIENCY; Myasthenic syndrome, congenital, 8, with pre- and postsynaptic defects. Identifiers: Orphanet 590, MedGen C3808739, MONDO:0014052, OMIM 615120.

Allele frequency attached by ClinVar (database versions not stated): gnomAD exomes below 0.00001; TOPMed below 0.00001; ExAC 0.00001; gnomAD 0.00001.
gnomAD v4.1: 4 of 1,609,726 alleles (0.00025%); highest among the groups gnomAD compares: African/African-American, 0.0027%; no homozygotes.

Submission:

Labcorp Genetics (formerly Invitae), Labcorp
Classification: Uncertain significance for Congenital myasthenic syndrome 8. Last evaluated: 2022-07-19. Review status: criteria provided, single submitter. Criteria: Invitae Variant Classification Sherloc (09022015). Collection method: clinical testing. Allele origin: germline.
Comment: In summary, the available evidence is currently insufficient to determine the role of this variant in disease. Therefore, it has been classified as a Variant of Uncertain Significance. Algorithms developed to predict the effect of missense changes on protein structure and function are either unavailable or do not agree on the potential impact of this missense change (SIFT: "Tolerated"; PolyPhen-2: "Possibly Damaging"; Align-GVGD: "Class C0"). ClinVar contains an entry for this variant (Variation ID: 939315). This variant has not been reported in the literature in individuals affected with AGRN-related conditions. The frequency data for this variant in the population databases is considered unreliable, as metrics indicate poor data quality at this position in the gnomAD database. This sequence change replaces threonine, which is neutral and polar, with alanine, which is neutral and non-polar, at codon 420 of the AGRN protein (p.Thr420Ala).